The following is an entry in ClinVar:

NM_015378.4(VPS13D):c.11866G>A (p.Asp3956Asn)

Gene: VPS13D (vacuolar protein sorting 13 homolog D; plus strand). Cytogenetic location: 1p36.22.
Variant type: single nucleotide variant.
Coding change: c.11866G>A on transcript NM_015378.4 (MANE Select); coding-DNA position 11866, G replaced by A.
Protein change: p.Asp3956Asn; replaces aspartic acid 3956 with asparagine.
Molecular consequence: missense variant.
Genome position (GRCh38, 1-based): chr1:12,401,689, G>A. VCF-style: chr1-12401689-G-A. GRCh37 (hg19) VCF-style: chr1-12461742-G-A.
Other names: c.11791G>A, p.Asp3931Asn (NM_018156.4); short protein forms D3931N, D3956N.
Identifiers: ClinVar variation 1510206 (VCV001510206.6), dbSNP rs775694736, ClinGen allele CA604055.

ClinVar aggregate classification (germline): Uncertain significance (1 of 4 stars; one submission).

Allele frequency attached by ClinVar (database versions not stated): gnomAD exomes 0.00004; ExAC 0.00007; gnomAD 0.00011; TOPMed 0.00012.
gnomAD v4.1: 159 of 1,613,060 alleles (0.0099%); highest among the groups gnomAD compares: African/African-American, 0.013%; no homozygotes.

Submission:

Labcorp Genetics (formerly Invitae), Labcorp
Classification: Uncertain significance. Last evaluated: 2021-11-30. Review status: criteria provided, single submitter. Criteria: Invitae Variant Classification Sherloc (09022015). Collection method: clinical testing. Allele origin: germline.
Comment: This sequence change replaces aspartic acid, which is acidic and polar, with asparagine, which is neutral and polar, at codon 3956 of the VPS13D protein (p.Asp3956Asn). This variant is present in population databases (rs775694736, gnomAD 0.02%). This variant has not been reported in the literature in individuals affected with VPS13D-related conditions. Algorithms developed to predict the effect of missense changes on protein structure and function (SIFT, PolyPhen-2, Align-GVGD) all suggest that this variant is likely to be tolerated. In summary, the available evidence is currently insufficient to determine the role of this variant in disease. Therefore, it has been classified as a Variant of Uncertain Significance.